The following is an entry in ClinVar:

ClinVar aggregate classification (germline): Pathogenic. Review status: criteria provided, multiple submitters, no conflicts (2 of 4 stars). 2 submissions from 2 submitters: Pathogenic (2). Last evaluated 2026-06-03.

Conditions:
Colorectal cancer, hereditary nonpolyposis, type 7. Identifiers: Orphanet 144, MedGen C1858380, MONDO:0013725, OMIM 614385.

Submissions (2):

Ambry Genetics
Classification: Pathogenic. Last evaluated: 2026-06-03. Review status: criteria provided, single submitter. Criteria: Ambry Variant Classification Scheme 2023. Collection method: clinical testing. Allele origin: germline.
Comment: The c.184_190delGGGAGTG pathogenic mutation, located in coding exon 1 of the MLH3 gene, results from a deletion of 7 nucleotides at nucleotide positions 184 to 190, causing a translational frameshift with a predicted alternate stop codon (p.G62Mfs*3). This variant is considered to be rare based on population cohorts in the Genome Aggregation Database (gnomAD). This alteration is expected to result in loss of function by premature protein truncation or nonsense-mediated mRNA decay. As such, this alteration is interpreted as a disease-causing mutation.

Myriad Genetics, Inc.
Classification: Pathogenic for Colorectal cancer, hereditary nonpolyposis, type 7. Last evaluated: 2026-03-16. Review status: criteria provided, single submitter. Criteria: Myriad Autosomal Dominant, Autosomal Recessive and X-Linked Classification Criteria (2023). Collection method: clinical testing. Allele origin: unknown.
Comment: This variant is considered pathogenic. This variant creates a frameshift predicted to result in premature protein truncation.

NM_001040108.2(MLH3):c.184_190del (p.Gly62fs)

Gene: MLH3 (mutL homolog 3; minus strand). Cytogenetic location: 14q24.3.
Variant type: Deletion.
Coding change: c.184_190del on transcript NM_001040108.2 (MANE Select); coding-DNA positions 184 to 190, 7 bases deleted (GGGAGTG; older notation c.184_190delGGGAGTG).
Protein change: p.Gly62fs; shifts the reading frame from glycine 62.
Molecular consequence: frameshift variant.
Genome position (GRCh38, 1-based): chr14:75,049,466-75,049,472, CACTCCC deleted on the plus strand (GGGAGTG on the coding strand, the reverse complement: MLH3 is on the minus strand); deleting any 7 consecutive bases within chr14:75,049,466-75,049,474 gives the same sequence; the c. name uses the placement nearest the transcript's 3' end. VCF-style (leftmost placement, unchanged base first): chr14-75049465-TCACTCCC-T. GRCh37 (hg19) VCF-style: chr14-75516168-TCACTCCC-T.
Other names: c.184_190del, p.Gly62fs (NM_014381.3); c.184_190delGGGAGTG (NM_001040108.1); short protein forms G62fs.
Identifiers: ClinVar variation 3873450 (VCV003873450.3).